The following is an entry in ClinVar:

NM_032578.4(MYPN):c.2926-191A>G

Gene: MYPN (myopalladin; plus strand). Cytogenetic location: 10q21.3.
Variant type: single nucleotide variant.
Coding change: c.2926-191A>G on transcript NM_032578.4 (MANE Select); 191 bases into the intron before coding-DNA position 2926, A replaced by G.
Molecular consequence: intron variant.
Genome position (GRCh38, 1-based): chr10:68,194,172, A>G. VCF-style: chr10-68194172-A-G. GRCh37 (hg19) VCF-style: chr10-69953929-A-G.
Other names: c.2926-191A>G (NM_001256267.2); c.2044-191A>G (NM_001256268.2).
Identifiers: ClinVar variation 672838 (VCV000672838.2), dbSNP rs1900013, ClinGen allele CA16393243.

ClinVar aggregate classification (germline): Benign. Review status: criteria provided, multiple submitters, no conflicts (2 of 4 stars). 2 submissions from 2 submitters: Benign (2). Last evaluated 2018-06-16.

Allele frequency attached by ClinVar (database versions not stated): 1000 Genomes Project 30x 0.47283; 1000 Genomes Project 0.47384; TOPMed 0.52421; gnomAD 0.54117 and 0.54201.
gnomAD v4.1: 82,214 of 151,558 alleles (54%); highest among the groups gnomAD compares: Non-Finnish European, 64%; 23,875 homozygotes.

Submissions (2):

GeneDx
Classification: Benign. Last evaluated: 2018-06-16. Review status: criteria provided, single submitter. Criteria: GeneDx Variant Classification (06012015). Collection method: clinical testing. Allele origin: germline. Affected: yes.
Comment: This variant is considered likely benign or benign based on one or more of the following criteria: it is a conservative change, it occurs at a poorly conserved position in the protein, it is predicted to be benign by multiple in silico algorithms, and/or has population frequency not consistent with disease.

Breakthrough Genomics
Classification: Benign. Review status: criteria provided, single submitter. Criteria: ACMG Guidelines, 2015. Collection method: not provided. Allele origin: germline. Inheritance: Autosomal recessive inheritance. Affected: yes.